The following is an entry in ClinVar:

ClinVar aggregate classification (germline): Uncertain significance (1 of 4 stars; one submission).

Submission:

Labcorp Genetics (formerly Invitae), Labcorp
Classification: Uncertain significance. Last evaluated: 2021-12-02. Review status: criteria provided, single submitter. Criteria: Invitae Variant Classification Sherloc (09022015). Collection method: clinical testing. Allele origin: germline.
Comment: This sequence change replaces histidine, which is basic and polar, with proline, which is neutral and non-polar, at codon 160 of the TAF2 protein (p.His160Pro). This variant is not present in population databases (gnomAD no frequency). This variant has not been reported in the literature in individuals affected with TAF2-related conditions. Algorithms developed to predict the effect of missense changes on protein structure and function are either unavailable or do not agree on the potential impact of this missense change (SIFT: "Tolerated"; PolyPhen-2: "Probably Damaging"; Align-GVGD: "Class C0"). In summary, the available evidence is currently insufficient to determine the role of this variant in disease. Therefore, it has been classified as a Variant of Uncertain Significance.

NM_003184.4(TAF2):c.479A>C (p.His160Pro)

Gene: TAF2 (TATA-box binding protein associated factor 2; minus strand). Cytogenetic location: 8q24.12.
Variant type: single nucleotide variant.
Coding change: c.479A>C on transcript NM_003184.4 (MANE Select); coding-DNA position 479, A replaced by C.
Protein change: p.His160Pro; replaces histidine 160 with proline.
Molecular consequence: missense variant.
Genome position (GRCh38, 1-based): chr8:119,803,959, T>G on the plus strand (A>C on the coding strand, the complement: TAF2 is on the minus strand). VCF-style: chr8-119803959-T-G. GRCh37 (hg19) VCF-style: chr8-120816199-T-G.
Other names: short protein forms H160P.
Identifiers: ClinVar variation 1392803 (VCV001392803.6), dbSNP rs757423725, ClinGen allele CA371893601.